The following is an entry in ClinVar:

ClinVar aggregate classification (germline): Uncertain significance (1 of 4 stars; one submission).

Conditions:
Congenital disorder of glycosylation, type Iaa. Also called: Congenital disorder of glycosylation, type 1aa. Identifiers: MedGen C4310727, MONDO:0014904, OMIM 617082.

Submission:

Labcorp Genetics (formerly Invitae), Labcorp
Classification: Uncertain significance for Congenital disorder of glycosylation, type Iaa. Last evaluated: 2023-07-22. Review status: criteria provided, single submitter. Criteria: Invitae Variant Classification Sherloc (09022015). Collection method: clinical testing. Allele origin: germline.
Comment: In summary, the available evidence is currently insufficient to determine the role of this variant in disease. Therefore, it has been classified as a Variant of Uncertain Significance. Variants that disrupt the consensus splice site are a relatively common cause of aberrant splicing (PMID: 17576681, 9536098). Algorithms developed to predict the effect of sequence changes on RNA splicing suggest that this variant may disrupt the consensus splice site. This variant has not been reported in the literature in individuals affected with NUS1-related conditions. This variant is not present in population databases (gnomAD no frequency). This sequence change falls in intron 4 of the NUS1 gene. It does not directly change the encoded amino acid sequence of the NUS1 protein. It affects a nucleotide within the consensus splice site.

Literature cited by the submitters: PubMed 17576681; PubMed 9536098.

NM_138459.5(NUS1):c.792-3C>G

Gene: NUS1 (NUS1 dehydrodolichyl diphosphate synthase subunit; plus strand). Cytogenetic location: 6q22.1.
Variant type: single nucleotide variant.
Coding change: c.792-3C>G on transcript NM_138459.5 (MANE Select); 3 bases into the intron before coding-DNA position 792, C replaced by G.
Molecular consequence: intron variant.
Genome position (GRCh38, 1-based): chr6:117,706,922, C>G. VCF-style: chr6-117706922-C-G. GRCh37 (hg19) VCF-style: chr6-118028085-C-G.
Identifiers: ClinVar variation 2765713 (VCV002765713.3), dbSNP rs1344996560, ClinGen allele CA2697553665.